The following is an entry in ClinVar:

NM_025137.4(SPG11):c.4973A>G (p.His1658Arg)

Gene: SPG11 (SPG11 vesicle trafficking associated, spatacsin; minus strand). Cytogenetic location: 15q21.1.
Variant type: single nucleotide variant.
Coding change: c.4973A>G on transcript NM_025137.4 (MANE Select); coding-DNA position 4973, A replaced by G.
Protein change: p.His1658Arg; replaces histidine 1658 with arginine.
Molecular consequence: missense variant.
Genome position (GRCh38, 1-based): chr15:44,585,784, T>C on the plus strand (A>G on the coding strand, the complement: SPG11 is on the minus strand). VCF-style: chr15-44585784-T-C. GRCh37 (hg19) VCF-style: chr15-44877982-T-C.
Other names: c.4973A>G, p.His1658Arg (NM_001160227.2, NM_001411132.1); short protein forms H1658R.
Identifiers: ClinVar variation 2118349 (VCV002118349.2), dbSNP rs1238834882, ClinGen allele CA392223595.

ClinVar aggregate classification (germline): Uncertain significance (1 of 4 stars; one submission).

Conditions:
Hereditary spastic paraplegia 11. Also called: Spastic Paraplegia 11; Spastic paraplegia, mental retardation and thin corpus callosum; Nakamura Osame syndrome; Autosomal recessive hereditary spastic paraplegia, mental impairment, and thin corpus callosum; SPASTIC PARAPLEGIA, AUTOSOMAL RECESSIVE, COMPLICATED, WITH THIN CORPUS CALLOSUM; SPASTIC PARAPLEGIA, AUTOSOMAL RECESSIVE, WITH MENTAL IMPAIRMENT AND THIN CORPUS CALLOSUM. Identifiers: Orphanet 2822, MedGen C1858479, MONDO:0011445, OMIM 604360.

Allele frequency attached by ClinVar (database versions not stated): TOPMed below 0.00001; gnomAD 0.00001.
gnomAD v4.1: 4 of 1,613,968 alleles (0.00025%); highest among the groups gnomAD compares: East Asian, 0.0022%; no homozygotes.

Submission:

Labcorp Genetics (formerly Invitae), Labcorp
Classification: Uncertain significance for Hereditary spastic paraplegia 11. Last evaluated: 2022-03-27. Review status: criteria provided, single submitter. Criteria: Invitae Variant Classification Sherloc (09022015). Collection method: clinical testing. Allele origin: germline.
Comment: In summary, the available evidence is currently insufficient to determine the role of this variant in disease. Therefore, it has been classified as a Variant of Uncertain Significance. Algorithms developed to predict the effect of missense changes on protein structure and function output the following: SIFT: "Tolerated"; PolyPhen-2: "Benign"; Align-GVGD: "Class C0". The arginine amino acid residue is found in multiple mammalian species, which suggests that this missense change does not adversely affect protein function. This variant has not been reported in the literature in individuals affected with SPG11-related conditions. This variant is not present in population databases (gnomAD no frequency). This sequence change replaces histidine, which is basic and polar, with arginine, which is basic and polar, at codon 1658 of the SPG11 protein (p.His1658Arg).